The following is an entry in ClinVar:

NM_001035.3(RYR2):c.13912C>T (p.Gln4638Ter)

Gene: RYR2 (ryanodine receptor 2; plus strand). Cytogenetic location: 1q43.
Variant type: single nucleotide variant.
Coding change: c.13912C>T on transcript NM_001035.3 (MANE Select); coding-DNA position 13912, C replaced by T.
Protein change: p.Gln4638Ter; replaces glutamine 4638 with a stop codon.
Molecular consequence: nonsense.
Genome position (GRCh38, 1-based): chr1:237,793,996, C>T. VCF-style: chr1-237793996-C-T. GRCh37 (hg19) VCF-style: chr1-237957296-C-T.
Other names: short protein forms Q4638*.
Identifiers: ClinVar variation 2097987 (VCV002097987.4), dbSNP rs2527950877, ClinGen allele CA345418436.

ClinVar aggregate classification (germline): Uncertain significance (1 of 4 stars; one submission).

Conditions:
Catecholaminergic polymorphic ventricular tachycardia 1. Also called: RYR2-Related Catecholaminergic Polymorphic Ventricular Tachycardia; VENTRICULAR TACHYCARDIA, STRESS-INDUCED POLYMORPHIC 1; VENTRICULAR TACHYCARDIA, CATECHOLAMINERGIC POLYMORPHIC, 1, WITH OR WITHOUT ATRIAL DYSFUNCTION AND/OR DILATED CARDIOMYOPATHY. Identifiers: Orphanet 3286, MedGen C1631597, MONDO:0011484, OMIM 604772.

Submission:

Labcorp Genetics (formerly Invitae), Labcorp
Classification: Uncertain significance for Catecholaminergic polymorphic ventricular tachycardia 1. Last evaluated: 2022-02-17. Review status: criteria provided, single submitter. Criteria: Invitae Variant Classification Sherloc (09022015). Collection method: clinical testing. Allele origin: germline.
Comment: Algorithms developed to predict the effect of sequence changes on RNA splicing suggest that this variant may disrupt the consensus splice site. This sequence change creates a premature translational stop signal (p.Gln4638*) in the RYR2 gene. It is expected to result in an absent or disrupted protein product. However, the current clinical and genetic evidence is not sufficient to establish whether loss-of-function variants in RYR2 cause disease. This variant is not present in population databases (gnomAD no frequency). This variant has not been reported in the literature in individuals affected with RYR2-related conditions. In summary, the available evidence is currently insufficient to determine the role of this variant in disease. Therefore, it has been classified as a Variant of Uncertain Significance.